The following is an entry in ClinVar:

ClinVar aggregate classification (germline): Uncertain significance (1 of 4 stars; one submission).

Submission:

Labcorp Genetics (formerly Invitae), Labcorp
Classification: Uncertain significance. Last evaluated: 2024-07-15. Review status: criteria provided, single submitter. Criteria: Invitae Variant Classification Sherloc (09022015). Collection method: clinical testing. Allele origin: germline.
Comment: This sequence change replaces aspartic acid, which is acidic and polar, with tyrosine, which is neutral and polar, at codon 730 of the RP1 protein (p.Asp730Tyr). This variant is not present in population databases (gnomAD no frequency). This variant has not been reported in the literature in individuals affected with RP1-related conditions. An algorithm developed to predict the effect of missense changes on protein structure and function (PolyPhen-2) suggests that this variant is likely to be disruptive. In summary, the available evidence is currently insufficient to determine the role of this variant in disease. Therefore, it has been classified as a Variant of Uncertain Significance.

NM_006269.2(RP1):c.2188G>T (p.Asp730Tyr)

Gene: RP1 (RP1 axonemal microtubule associated; plus strand). Cytogenetic location: 8q12.1.
Variant type: single nucleotide variant.
Coding change: c.2188G>T on transcript NM_006269.2 (MANE Select); coding-DNA position 2188, G replaced by T.
Protein change: p.Asp730Tyr; replaces aspartic acid 730 with tyrosine.
Molecular consequence: missense variant. On other transcripts: intron variant (1).
Genome position (GRCh38, 1-based): chr8:54,626,070, G>T. VCF-style: chr8-54626070-G-T. GRCh37 (hg19) VCF-style: chr8-55538630-G-T.
Other names: c.787+3782G>T (NM_001375654.1); short protein forms D730Y.
Identifiers: ClinVar variation 3659538 (VCV003659538.2).